The following is an entry in ClinVar:

NM_001110556.2(FLNA):c.2455G>A (p.Glu819Lys)

Gene: FLNA (filamin A; minus strand). Cytogenetic location: Xq28.
Variant type: single nucleotide variant.
Coding change: c.2455G>A on transcript NM_001110556.2 (MANE Select); coding-DNA position 2455, G replaced by A.
Protein change: p.Glu819Lys; replaces glutamic acid 819 with lysine.
Molecular consequence: missense variant.
Genome position (GRCh38, 1-based): chrX:154,362,528, C>T on the plus strand (G>A on the coding strand, the complement: FLNA is on the minus strand). VCF-style: chrX-154362528-C-T. GRCh37 (hg19) VCF-style: chrX-153590896-C-T.
Other names: c.2455G>A, p.Glu819Lys (NM_001456.4); short protein forms E819K.
Identifiers: ClinVar variation 4792267 (VCV004792267.1).

ClinVar aggregate classification (germline): Uncertain significance (1 of 4 stars; one submission).

Conditions:
Heterotopia, periventricular, X-linked dominant (PVNH1). Also called: PERIVENTRICULAR NODULAR HETEROTOPIA 1; X-linked periventricular heterotopia; PERIVENTRICULAR NODULAR HETEROTOPIA 4; HETEROTOPIA, PERIVENTRICULAR, 1. Identifiers: Orphanet 2149, Orphanet 82004, MedGen C1848213, MONDO:0010233, OMIM 300049.
Melnick-Needles syndrome (MNS). Also called: MELNICK-NEEDLES OSTEODYSPLASTY; OSTEODYSPLASTY OF MELNICK AND NEEDLES; Melnick-Needles Syndrome (FLNA-MNS). Identifiers: Orphanet 2484, MedGen C0025237, MONDO:0010650, OMIM 309350.
Frontometaphyseal dysplasia (FMD1). Identifiers: Orphanet 1826, MedGen C0265293, MONDO:0015942.
Oto-palato-digital syndrome, type II (OPD2). Also called: FACIOPALATOOSSEOUS SYNDROME; OPD II SYNDROME; Otopalatodigital Syndrome Type 2 (FLNA-OPD2); Otopalatodigital Syndrome, Type II. Identifiers: Orphanet 669, Orphanet 90652, MedGen C1844696, MONDO:0010571, OMIM 304120.

gnomAD v4.1: 2 of 1,211,297 alleles (0.00017%); highest among the groups gnomAD compares: South Asian, 0.0018%; no homozygotes.

Submission:

Labcorp Genetics (formerly Invitae), Labcorp
Classification: Uncertain significance for Oto-palato-digital syndrome, type II; Heterotopia, periventricular, X-linked dominant; Frontometaphyseal dysplasia; Melnick-Needles syndrome. Last evaluated: 2025-05-07. Review status: criteria provided, single submitter. Criteria: Invitae Variant Classification Sherloc (09022015). Collection method: clinical testing. Allele origin: germline.
Comment: This sequence change replaces glutamic acid, which is acidic and polar, with lysine, which is basic and polar, at codon 819 of the FLNA protein (p.Glu819Lys). This variant is not present in population databases (gnomAD no frequency). This variant has not been reported in the literature in individuals affected with FLNA-related conditions. Invitae Evidence Modeling of protein sequence and biophysical properties (such as structural, functional, and spatial information, amino acid conservation, physicochemical variation, residue mobility, and thermodynamic stability) indicates that this missense variant is not expected to disrupt FLNA protein function with a negative predictive value of 95%. In summary, the available evidence is currently insufficient to determine the role of this variant in disease. Therefore, it has been classified as a Variant of Uncertain Significance.